The following is an entry in ClinVar:

ClinVar aggregate classification (germline): Uncertain significance. Review status: criteria provided, multiple submitters, no conflicts (2 of 4 stars). 2 submissions from 2 submitters: Uncertain significance (2). Last evaluated 2025-12-16.

Conditions:
Congenital sideroblastic anemia-B-cell immunodeficiency-periodic fever-developmental delay syndrome. Also called: Sideroblastic anemia with B-cell immunodeficiency, periodic fevers, and developmental delay. Identifiers: Orphanet 369861, MedGen C4015172, MONDO:0014487, OMIM 616084.

Allele frequency attached by ClinVar (database versions not stated): gnomAD exomes below 0.00001; TOPMed below 0.00001.
gnomAD v4.1: 6 of 1,613,878 alleles (0.00037%); highest among the groups gnomAD compares: Non-Finnish European, 0.00042%; no homozygotes.

Submissions (2):

Mayo Clinic Laboratories, Mayo Clinic
Classification: Uncertain significance. Last evaluated: 2025-12-16. Review status: criteria provided, single submitter. Criteria: ACMG Guidelines, 2015. Collection method: clinical testing. Allele origin: germline. Observed: 1 variant allele.
Comment: PM2_supporting

Labcorp Genetics (formerly Invitae), Labcorp
Classification: Uncertain significance for Congenital sideroblastic anemia-B-cell immunodeficiency-periodic fever-developmental delay syndrome. Last evaluated: 2022-04-25. Review status: criteria provided, single submitter. Criteria: Invitae Variant Classification Sherloc (09022015). Collection method: clinical testing. Allele origin: germline.
Comment: Algorithms developed to predict the effect of missense changes on protein structure and function are either unavailable or do not agree on the potential impact of this missense change (SIFT: "Deleterious"; PolyPhen-2: "Benign"; Align-GVGD: "Class C25"). In summary, the available evidence is currently insufficient to determine the role of this variant in disease. Therefore, it has been classified as a Variant of Uncertain Significance. ClinVar contains an entry for this variant (Variation ID: 946688). This variant has not been reported in the literature in individuals affected with TRNT1-related conditions. This variant is not present in population databases (gnomAD no frequency). This sequence change replaces isoleucine, which is neutral and non-polar, with threonine, which is neutral and polar, at codon 404 of the TRNT1 protein (p.Ile404Thr).

NM_182916.3(TRNT1):c.1211T>C (p.Ile404Thr)

Gene: TRNT1 (tRNA nucleotidyl transferase 1; plus strand). Cytogenetic location: 3p26.2.
Variant type: single nucleotide variant.
Coding change: c.1211T>C on transcript NM_182916.3 (MANE Select); coding-DNA position 1211, T replaced by C.
Protein change: p.Ile404Thr; replaces isoleucine 404 with threonine.
Molecular consequence: missense variant. On other transcripts: non-coding transcript variant (8).
Genome position (GRCh38, 1-based): chr3:3,148,060, T>C. VCF-style: chr3-3148060-T-C. GRCh37 (hg19) VCF-style: chr3-3189744-T-C.
Other names: p.Ile404Thr; c.1151T>C, p.Ile384Thr (NM_001302946.2); c.1211T>C, p.Ile404Thr (NM_001367321.1, NM_001367322.1, NM_001367323.1); short protein forms I384T, I404T.
Identifiers: ClinVar variation 946688 (VCV000946688.7), dbSNP rs1706181879, ClinGen allele CA351449047.